The following is an entry in ClinVar:

ClinVar aggregate classification (germline): Likely benign (1 of 4 stars; one submission).

gnomAD v4.1: 16 of 1,613,866 alleles (0.00099%); highest among the groups gnomAD compares: African/African-American, 0.004%; no homozygotes.

Submission:

CeGaT Center for Human Genetics Tuebingen
Classification: Likely benign. Last evaluated: 2025-12-01. Review status: criteria provided, single submitter. Criteria: CeGaT Center For Human Genetics Tuebingen Variant Classification Criteria Version 2. Collection method: clinical testing. Allele origin: germline. Affected: yes. Observed: 1 variant allele.
Comment: MACF1: BP4

NM_001394062.1(MACF1):c.7681A>G (p.Ile2561Val)

Gene: MACF1 (microtubule actin crosslinking factor 1; plus strand). Cytogenetic location: 1p34.3.
Variant type: single nucleotide variant.
Coding change: c.7681A>G on transcript NM_001394062.1 (MANE Select); coding-DNA position 7681, A replaced by G.
Protein change: p.Ile2561Val; replaces isoleucine 2561 with valine.
Molecular consequence: missense variant. On other transcripts: intron variant (1).
Genome position (GRCh38, 1-based): chr1:39,334,269, A>G. VCF-style: chr1-39334269-A-G. GRCh37 (hg19) VCF-style: chr1-39799941-A-G.
Other names: c.4629+6916A>G (NM_012090.5); short protein forms I2561V.
Identifiers: ClinVar variation 4681913 (VCV004681913.5).
Genomic context (GRCh38, chr1:39,334,269, plus strand): 5'-TTAAACATCCATCAGATTTTTAATCCTGAAACGAAGGAAAATATTTCCCTCCCTAAAGCC[A>G]TAAAATTAGATCTTATTACCTCAGACCTGAAAAGAGAAATCCAGGAGGTTCAGGCCTTTA-3'
Protein context (NP_001380991.1, residues 2551-2571): TKENISLPKA[Ile2561Val]KLDLITSDLK